The following is an entry in ClinVar:

NM_203446.3(SYNJ1):c.96G>A (p.Met32Ile)

Gene: SYNJ1 (synaptojanin 1; minus strand). Cytogenetic location: 21q22.11.
Variant type: single nucleotide variant.
Coding change: c.96G>A on transcript NM_203446.3 (MANE Select); coding-DNA position 96, G replaced by A.
Protein change: p.Met32Ile; replaces methionine 32 with isoleucine.
Molecular consequence: missense variant.
Genome position (GRCh38, 1-based): chr21:32,726,800, C>T on the plus strand (G>A on the coding strand, the complement: SYNJ1 is on the minus strand). VCF-style: chr21-32726800-C-T. GRCh37 (hg19) VCF-style: chr21-34099111-C-T.
Other names: c.96G>A, p.Met32Ile (NM_001160302.2, NM_001160306.2); c.213G>A, p.Met71Ile (NM_003895.4); short protein forms M71I, M32I.
Identifiers: ClinVar variation 1035303 (VCV001035303.6), dbSNP rs770096593, ClinGen allele CA410077723.

ClinVar aggregate classification (germline): Uncertain significance (1 of 4 stars; one submission).

Conditions:
Developmental and epileptic encephalopathy, 53. Also called: Epileptic encephalopathy, early infantile, 53. Identifiers: MedGen C4479313, MONDO:0033362, OMIM 617389.
Early-onset Parkinson disease 20. Also called: PARKINSON DISEASE 20, AUTOSOMAL RECESSIVE EARLY-ONSET. Identifiers: Orphanet 391411, MedGen C3809824, MONDO:0014233, OMIM 615530.

Allele frequency attached by ClinVar (database versions not stated): gnomAD 0.00001; TOPMed 0.00001.
gnomAD v4.1: 9 of 1,614,072 alleles (0.00056%); highest among the groups gnomAD compares: Non-Finnish European, 0.00076%; no homozygotes.

Submission:

Labcorp Genetics (formerly Invitae), Labcorp
Classification: Uncertain significance for Developmental and epileptic encephalopathy, 53; Early-onset Parkinson disease 20. Last evaluated: 2021-09-01. Review status: criteria provided, single submitter. Criteria: Invitae Variant Classification Sherloc (09022015). Collection method: clinical testing. Allele origin: germline.
Comment: This sequence change replaces methionine with isoleucine at codon 71 of the SYNJ1 protein (p.Met71Ile). The methionine residue is moderately conserved and there is a small physicochemical difference between methionine and isoleucine. This variant is not present in population databases (ExAC no frequency). This variant has not been reported in the literature in individuals affected with SYNJ1-related conditions. Algorithms developed to predict the effect of missense changes on protein structure and function (SIFT, PolyPhen-2, Align-GVGD) all suggest that this variant is likely to be tolerated. In summary, the available evidence is currently insufficient to determine the role of this variant in disease. Therefore, it has been classified as a Variant of Uncertain Significance.